The following is an entry in ClinVar:

NM_181453.4(GCC2):c.371A>G (p.His124Arg)

Gene: GCC2 (GRIP and coiled-coil domain containing 2; plus strand). Cytogenetic location: 2q12.3.
Variant type: single nucleotide variant.
Coding change: c.371A>G on transcript NM_181453.4 (MANE Select); coding-DNA position 371, A replaced by G.
Protein change: p.His124Arg; replaces histidine 124 with arginine.
Molecular consequence: missense variant.
Genome position (GRCh38, 1-based): chr2:108,469,700, A>G. VCF-style: chr2-108469700-A-G. GRCh37 (hg19) VCF-style: chr2-109086156-A-G.
Other names: c.68A>G, p.His23Arg (NM_001410194.1, NM_014635.3); short protein forms H124R, H23R.
Identifiers: ClinVar variation 3042982 (VCV003042982.2), dbSNP rs141520578, ClinGen allele CA1820361.
Genomic context (GRCh38, chr2:108,469,700, plus strand): 5'-TTTTGTAATAGGATTCTGTAACAAAGATGGGAGATGCACATAAGGAGTTGGAACAATCAC[A>G]TATAAACTATGTGAAAGAAATTGAAAATTTGAAAAATGAGTTGATGGCAGTACGTTCCAA-3'
Protein context (NP_852118.2, residues 114-134): GDAHKELEQS[His124Arg]INYVKEIENL

ClinVar aggregate classification (germline): Likely benign (0 of 4 stars; one submission).

Conditions:
GCC2-related disorder. Also called: GCC2-related condition.

Allele frequency attached by ClinVar (database versions not stated): 1000 Genomes Project 0.00060; 1000 Genomes Project 30x 0.00078; TOPMed 0.00263; ExAC 0.00269; gnomAD 0.00285; ESP Exome Variant Server 0.00346; gnomAD exomes 0.00405.
gnomAD v4.1: 6,228 of 1,612,216 alleles (0.39%); highest among the groups gnomAD compares: Non-Finnish European, 0.48%; 23 homozygotes.

Submission:

PreventionGenetics, part of Exact Sciences
Classification: Likely benign for GCC2-related condition. Last evaluated: 2022-02-22. Review status: no assertion criteria provided. Collection method: clinical testing. Allele origin: germline.
Comment: This variant is classified as likely benign based on ACMG/AMP sequence variant interpretation guidelines (Richards et al. 2015 PMID: 25741868, with internal and published modifications).